The following is an entry in ClinVar:

ClinVar aggregate classification (germline): Uncertain significance (1 of 4 stars; one submission).

gnomAD v4.1: 1 of 1,614,158 alleles (0.000062%); highest among the groups gnomAD compares: Non-Finnish European, 0.000085%; no homozygotes.

Submission:

Labcorp Genetics (formerly Invitae), Labcorp
Classification: Uncertain significance. Last evaluated: 2023-12-21. Review status: criteria provided, single submitter. Criteria: Invitae Variant Classification Sherloc (09022015). Collection method: clinical testing. Allele origin: germline.
Comment: This sequence change replaces methionine, which is neutral and non-polar, with valine, which is neutral and non-polar, at codon 528 of the PPP2R1A protein (p.Met528Val). This variant is not present in population databases (gnomAD no frequency). This variant has not been reported in the literature in individuals affected with PPP2R1A-related conditions. Advanced modeling of protein sequence and biophysical properties (such as structural, functional, and spatial information, amino acid conservation, physicochemical variation, residue mobility, and thermodynamic stability) performed at Invitae indicates that this missense variant is expected to disrupt PPP2R1A protein function with a positive predictive value of 80%. In summary, the available evidence is currently insufficient to determine the role of this variant in disease. Therefore, it has been classified as a Variant of Uncertain Significance.

NM_014225.6(PPP2R1A):c.1582A>G (p.Met528Val)

Genes: PPP2R1A (protein phosphatase 2 scaffold subunit Aalpha; plus strand), LOC126862924 (BRD4-independent group 4 enhancer GRCh37_chr19:52724813-52726012; plus strand). Cytogenetic location: 19q13.41.
Variant type: single nucleotide variant.
Coding change: c.1582A>G on transcript NM_014225.6 (MANE Select); coding-DNA position 1582, A replaced by G.
Protein change: p.Met528Val; replaces methionine 528 with valine.
Molecular consequence: missense variant. On other transcripts: non-coding transcript variant (1).
Genome position (GRCh38, 1-based): chr19:52,222,162, A>G. VCF-style: chr19-52222162-A-G. GRCh37 (hg19) VCF-style: chr19-52725415-A-G.
Other names: c.1045A>G, p.Met349Val (NM_001363656.2); short protein forms M528V, M349V.
Identifiers: ClinVar variation 2704753 (VCV002704753.3), dbSNP rs1978977400, ClinGen allele CA407154447.